The following is an entry in ClinVar:

NM_006904.7(PRKDC):c.7201G>A (p.Val2401Ile)

Gene: PRKDC (protein kinase, DNA-activated, catalytic subunit; minus strand). Cytogenetic location: 8q11.21.
Variant type: single nucleotide variant.
Coding change: c.7201G>A on transcript NM_006904.7 (MANE Select); coding-DNA position 7201, G replaced by A.
Protein change: p.Val2401Ile; replaces valine 2401 with isoleucine.
Molecular consequence: missense variant.
Genome position (GRCh38, 1-based): chr8:47,849,233, C>T on the plus strand (G>A on the coding strand, the complement: PRKDC is on the minus strand). VCF-style: chr8-47849233-C-T. GRCh37 (hg19) VCF-style: chr8-48761794-C-T.
Other names: c.7201G>A, p.Val2401Ile (NM_001081640.2); short protein forms V2401I.
Identifiers: ClinVar variation 2123928 (VCV002123928.4), dbSNP rs2551868659, ClinGen allele CA371157552.
Genomic context (GRCh38, chr8:47,849,233, plus strand): 5'-CGAAGTCCTTGCTCTTTAACTGGAAGTACAGCTCTGTCATTCCCTCCACACGACAAAGTA[C>T]CACCTCCAGACAGAGTGTTTTCAACACTCCATGAAATTTTGGCAGCAGAAAGAACACAGC-3'
Protein context (NP_008835.5, residues 2391-2411): GVLKTLCLEV[Val2401Ile]LCRVEGMTEL

ClinVar aggregate classification (germline): Uncertain significance (1 of 4 stars; one submission).

Conditions:
Severe combined immunodeficiency due to DNA-PKcs deficiency. Also called: IMMUNODEFICIENCY 26 WITH NEUROLOGIC ABNORMALITIES; Immunodeficiency 26 with or without neurologic abnormalities. Identifiers: Orphanet 317425, MedGen C4014833, MONDO:0014423, OMIM 615966.

Allele frequency attached by ClinVar (database versions not stated): gnomAD exomes below 0.00001.
gnomAD v4.1: 1 of 1,613,998 alleles (0.000062%); highest among the groups gnomAD compares: Admixed American, 0.0017%; no homozygotes.

Submission:

Labcorp Genetics (formerly Invitae), Labcorp
Classification: Uncertain significance for Severe combined immunodeficiency due to DNA-PKcs deficiency. Last evaluated: 2022-04-09. Review status: criteria provided, single submitter. Criteria: Invitae Variant Classification Sherloc (09022015). Collection method: clinical testing. Allele origin: germline.
Comment: This variant is not present in population databases (gnomAD no frequency). In summary, the available evidence is currently insufficient to determine the role of this variant in disease. Therefore, it has been classified as a Variant of Uncertain Significance. Experimental studies and prediction algorithms are not available or were not evaluated, and the functional significance of this variant is currently unknown. This variant has not been reported in the literature in individuals affected with PRKDC-related conditions. This sequence change replaces valine, which is neutral and non-polar, with isoleucine, which is neutral and non-polar, at codon 2401 of the PRKDC protein (p.Val2401Ile).